The following is an entry in ClinVar:

NM_022124.6(CDH23):c.2745C>T (p.Ile915=)

Gene: CDH23 (cadherin related 23; plus strand). Cytogenetic location: 10q22.1.
Variant type: single nucleotide variant.
Coding change: c.2745C>T on transcript NM_022124.6 (MANE Select); coding-DNA position 2745, C replaced by T.
Protein change: p.Ile915=; no amino-acid change (isoleucine 915 retained).
Molecular consequence: synonymous variant.
Genome position (GRCh38, 1-based): chr10:71,704,922, C>T. VCF-style: chr10-71704922-C-T. GRCh37 (hg19) VCF-style: chr10-73464679-C-T.
Other names: c.2745C>T, p.Ile915= (NM_001171930.2, NM_001171931.2).
Identifiers: ClinVar variation 748739 (VCV000748739.17), dbSNP rs183220886, ClinGen allele CA5544330.
Genomic context (GRCh38, chr10:71,704,922, plus strand): 5'-CATCCCAGTGTCCCCTCCCCACCCTCATGCTGCCCCTCCTTGCCCTCAGGTGGTGGCCAT[C>T]GACCTCGATGAGGGCCTGAACGGCCTGGTGTCCTACCGCATGCCGGTGGGCATGCCCCGC-3'
Protein context (NP_071407.4, residues 905-925): AGVSIYQVVA[Ile915=]DLDEGLNGLV

ClinVar aggregate classification (germline): Likely benign. Review status: criteria provided, multiple submitters, no conflicts (2 of 4 stars). 5 submissions from 5 submitters: Likely benign (3). 2 of the submissions do not count toward it. Last evaluated 2026-01-14.

Conditions:
Usher syndrome type 1 (USH1). Also called: RETINITIS PIGMENTOSA AND CONGENITAL DEAFNESS. Identifiers: Orphanet 231169, Orphanet 886, MedGen C1568247, MONDO:0010168, OMIM 276900.
CDH23-related disorder. Also called: CDH23-related disorders; CDH23-related condition.

Allele frequency attached by ClinVar (database versions not stated): gnomAD exomes 0.00014; ExAC 0.00018; gnomAD 0.00048; ESP Exome Variant Server 0.00055; TOPMed 0.00073; 1000 Genomes Project 0.00140; 1000 Genomes Project 30x 0.00141.
gnomAD v4.1: 185 of 1,612,368 alleles (0.011%); highest among the groups gnomAD compares: African/African-American, 0.21%; no homozygotes.

Submissions (5):

Labcorp Genetics (formerly Invitae), Labcorp
Classification: Likely benign. Last evaluated: 2026-01-14. Review status: criteria provided, single submitter. Criteria: Invitae Variant Classification Sherloc (09022015). Collection method: clinical testing. Allele origin: germline.

Blueprint Genetics
Classification: Likely benign. Last evaluated: 2023-02-10. Review status: criteria provided, single submitter. Criteria: ACMG Guidelines, 2015. Collection method: clinical testing. Allele origin: germline.

GeneDx
Classification: Likely benign. Last evaluated: 2020-06-25. Review status: criteria provided, single submitter. Criteria: GeneDx Variant Classification Process June 2021. Collection method: clinical testing. Allele origin: germline. Affected: yes.

Natera, Inc.
Classification: Uncertain significance for Usher syndrome type 1. Last evaluated: 2020-01-24. Review status: no assertion criteria provided. Collection method: clinical testing. Allele origin: germline. Not counted in ClinVar's aggregate classification.

PreventionGenetics, part of Exact Sciences
Classification: Likely benign for CDH23-related condition. Last evaluated: 2019-10-18. Review status: no assertion criteria provided. Collection method: clinical testing. Allele origin: germline. Not counted in ClinVar's aggregate classification.
Comment: This variant is classified as likely benign based on ACMG/AMP sequence variant interpretation guidelines (Richards et al. 2015 PMID: 25741868, with internal and published modifications).